The following is an entry in ClinVar:

NM_017807.4(OSGEP):c.291C>A (p.Ala97=)

Genes: OSGEP (O-sialoglycoprotein endopeptidase; minus strand), LOC107372315 (OSGEP/APEX1 bi-directional promoter region; plus strand). Cytogenetic location: 14q11.2.
Variant type: single nucleotide variant.
Coding change: c.291C>A on transcript NM_017807.4 (MANE Select); coding-DNA position 291, C replaced by A.
Protein change: p.Ala97=; no amino-acid change (alanine 97 retained).
Molecular consequence: synonymous variant.
Genome position (GRCh38, 1-based): chr14:20,452,094, G>T on the plus strand (C>A on the coding strand, the complement: OSGEP is on the minus strand). VCF-style: chr14-20452094-G-T. GRCh37 (hg19) VCF-style: chr14-20920253-G-T.
Identifiers: ClinVar variation 2917700 (VCV002917700.25), dbSNP rs1881116754, ClinGen allele CA485449552.

ClinVar aggregate classification (germline): Likely benign. Review status: criteria provided, multiple submitters, no conflicts (2 of 4 stars). 2 submissions from 2 submitters: Likely benign (2). Last evaluated 2024-02-01.

Allele frequency attached by ClinVar (database versions not stated): TOPMed below 0.00001.

Submissions (2):

CeGaT Center for Human Genetics Tuebingen
Classification: Likely benign. Last evaluated: 2024-02-01. Review status: criteria provided, single submitter. Criteria: CeGaT Center For Human Genetics Tuebingen Variant Classification Criteria Version 2. Collection method: clinical testing. Allele origin: germline. Affected: yes. Observed: 1 variant allele.
Comment: OSGEP: PM2:Supporting, BP4, BP7

Labcorp Genetics (formerly Invitae), Labcorp
Classification: Likely benign. Last evaluated: 2023-05-23. Review status: criteria provided, single submitter. Criteria: Invitae Variant Classification Sherloc (09022015). Collection method: clinical testing. Allele origin: germline.